The following is an entry in ClinVar:

NM_000814.6(GABRB3):c.803A>G (p.Asn268Ser)

Gene: GABRB3 (gamma-aminobutyric acid type A receptor subunit beta3; minus strand). Cytogenetic location: 15q12.
Variant type: single nucleotide variant.
Coding change: c.803A>G on transcript NM_000814.6 (MANE Select); coding-DNA position 803, A replaced by G.
Protein change: p.Asn268Ser; replaces asparagine 268 with serine.
Molecular consequence: missense variant.
Genome position (GRCh38, 1-based): chr15:26,567,613, T>C on the plus strand (A>G on the coding strand, the complement: GABRB3 is on the minus strand). VCF-style: chr15-26567613-T-C. GRCh37 (hg19) VCF-style: chr15-26812760-T-C.
Other names: c.548A>G, p.Asn183Ser (NM_001191320.2, NM_001278631.2); c.590A>G, p.Asn197Ser (NM_001191321.3); c.803A>G, p.Asn268Ser (NM_021912.5); short protein forms N183S, N197S, N268S.
Identifiers: ClinVar variation 1686703 (VCV001686703.4), dbSNP rs1890227164, ClinGen allele CA391463066.

ClinVar aggregate classification (germline): Uncertain significance. Review status: criteria provided, multiple submitters, no conflicts (2 of 4 stars). 2 submissions from 2 submitters: Uncertain significance (2). Last evaluated 2024-05-06.

Conditions:
Epilepsy, childhood absence, susceptibility to, 1. Also called: Epilepsy, childhood absence 1. Identifiers: Orphanet 64280, MedGen C1838604, MONDO:0020759, OMIM 600131.
Epilepsy, childhood absence, susceptibility to, 5. Identifiers: Orphanet 64280, MedGen C2677087, MONDO:0012843, OMIM 612269.

Allele frequency attached by ClinVar (database versions not stated): gnomAD exomes below 0.00001; TOPMed below 0.00001; gnomAD 0.00001.
gnomAD v4.1: 3 of 1,613,890 alleles (0.00019%); highest among the groups gnomAD compares: Non-Finnish European, 0.00025%; no homozygotes.

Submissions (2):

Labcorp Genetics (formerly Invitae), Labcorp
Classification: Uncertain significance for Epilepsy, childhood absence, susceptibility to, 5; Epilepsy, childhood absence, susceptibility to, 1. Last evaluated: 2024-05-06. Review status: criteria provided, single submitter. Criteria: Invitae Variant Classification Sherloc (09022015). Collection method: clinical testing. Allele origin: germline.
Comment: This sequence change replaces asparagine, which is neutral and polar, with serine, which is neutral and polar, at codon 268 of the GABRB3 protein (p.Asn268Ser). This variant is not present in population databases (gnomAD no frequency). This variant has not been reported in the literature in individuals affected with GABRB3-related conditions. ClinVar contains an entry for this variant (Variation ID: 1686703). Advanced modeling of protein sequence and biophysical properties (such as structural, functional, and spatial information, amino acid conservation, physicochemical variation, residue mobility, and thermodynamic stability) performed at Invitae indicates that this missense variant is expected to disrupt GABRB3 protein function with a positive predictive value of 95%. In summary, the available evidence is currently insufficient to determine the role of this variant in disease. Therefore, it has been classified as a Variant of Uncertain Significance.

GeneDx
Classification: Uncertain significance. Last evaluated: 2022-05-06. Review status: criteria provided, single submitter. Criteria: GeneDx Variant Classification Process June 2021. Collection method: clinical testing. Allele origin: germline. Affected: yes.
Comment: Not observed at significant frequency in large population cohorts (gnomAD); In silico analysis supports that this missense variant has a deleterious effect on protein structure/function; Has not been previously published as pathogenic or benign to our knowledge